The following is an entry in ClinVar:

NM_001377299.1(NDUFS2):c.660C>T (p.Ala220=)

Gene: NDUFS2 (NADH:ubiquinone oxidoreductase core subunit S2; plus strand). Cytogenetic location: 1q23.3.
Variant type: single nucleotide variant.
Coding change: c.660C>T on transcript NM_001377299.1 (MANE Select); coding-DNA position 660, C replaced by T.
Protein change: p.Ala220=; no amino-acid change (alanine 220 retained).
Molecular consequence: synonymous variant. On other transcripts: non-coding transcript variant (1).
Genome position (GRCh38, 1-based): chr1:161,209,889, C>T. VCF-style: chr1-161209889-C-T. GRCh37 (hg19) VCF-style: chr1-161179679-C-T.
Other names: c.660C>T, p.Ala220= (NM_001166159.2, NM_001377298.1, NM_001377300.1 and 4 more transcripts); c.660C>T (NM_004550.4).
Identifiers: ClinVar variation 2051920 (VCV002051920.6), dbSNP rs139019320, ClinGen allele CA1208647.

ClinVar aggregate classification (germline): Likely benign. Review status: criteria provided, single submitter (1 of 4 stars). 2 submissions from 2 submitters: Likely benign (1). 1 of the submissions does not count toward it. Last evaluated 2025-08-26.

Conditions:
NDUFS2-related disorder. Also called: NDUFS2-related condition.

Allele frequency attached by ClinVar (database versions not stated): ESP Exome Variant Server 0.00031; gnomAD 0.00032; TOPMed 0.00035; gnomAD exomes 0.00003; ExAC 0.00012; 1000 Genomes Project 30x 0.00016; 1000 Genomes Project 0.00020.
gnomAD v4.1: 92 of 1,614,018 alleles (0.0057%); highest among the groups gnomAD compares: African/African-American, 0.11%; no homozygotes.

Submissions (2):

Labcorp Genetics (formerly Invitae), Labcorp
Classification: Likely benign. Last evaluated: 2025-08-26. Review status: criteria provided, single submitter. Criteria: Invitae Variant Classification Sherloc (09022015). Collection method: clinical testing. Allele origin: germline.

PreventionGenetics, part of Exact Sciences
Classification: Likely benign for NDUFS2-related condition. Last evaluated: 2019-11-06. Review status: no assertion criteria provided. Collection method: clinical testing. Allele origin: germline. Not counted in ClinVar's aggregate classification.
Comment: This variant is classified as likely benign based on ACMG/AMP sequence variant interpretation guidelines (Richards et al. 2015 PMID: 25741868, with internal and published modifications).